The following is an entry in ClinVar:

ClinVar aggregate classification (germline): Likely benign. Review status: criteria provided, multiple submitters, no conflicts (2 of 4 stars). 2 submissions from 2 submitters: Likely benign (2). Last evaluated 2024-02-11.

Conditions:
Catecholaminergic polymorphic ventricular tachycardia 1. Also called: VENTRICULAR TACHYCARDIA, CATECHOLAMINERGIC POLYMORPHIC, 1, WITH OR WITHOUT ATRIAL DYSFUNCTION AND/OR DILATED CARDIOMYOPATHY; RYR2-Related Catecholaminergic Polymorphic Ventricular Tachycardia; VENTRICULAR TACHYCARDIA, STRESS-INDUCED POLYMORPHIC 1. Identifiers: Orphanet 3286, MedGen C1631597, MONDO:0011484, OMIM 604772.
Catecholaminergic polymorphic ventricular tachycardia (CVPT). Also called: Catecholamine-induced polymorphic ventricular tachycardia. Identifiers: Orphanet 3286, MedGen C5574922, MONDO:0017990.

Allele frequency attached by ClinVar (database versions not stated): gnomAD exomes below 0.00001; TOPMed 0.00003.
gnomAD v4.1: 4 of 1,606,170 alleles (0.00025%); highest among the groups gnomAD compares: African/African-American, 0.0013%; no homozygotes.

Submissions (2):

Labcorp Genetics (formerly Invitae), Labcorp
Classification: Likely benign for Catecholaminergic polymorphic ventricular tachycardia 1. Last evaluated: 2024-02-11. Review status: criteria provided, single submitter. Criteria: Invitae Variant Classification Sherloc (09022015). Collection method: clinical testing. Allele origin: germline.

All of Us Research Program, National Institutes of Health
Classification: Likely benign for Catecholaminergic polymorphic ventricular tachycardia. Last evaluated: 2023-09-04. Review status: criteria provided, single submitter. Criteria: ACMG Guidelines, 2015. Collection method: clinical testing. Allele origin: germline. Inheritance: Autosomal dominant inheritance. Observed: 1 variant allele, 1 heterozygote.
Comment: This study involves interpretation of variants in research participants for the purpose of population health screening. Participant phenotype was not available at the time of variant classification. Additional details can be found in publication PMID: 35346344, PMCID: PMC8962531

NM_001035.3(RYR2):c.8724G>A (p.Lys2908=)

Gene: RYR2 (ryanodine receptor 2; plus strand). Cytogenetic location: 1q43.
Variant type: single nucleotide variant.
Coding change: c.8724G>A on transcript NM_001035.3 (MANE Select); coding-DNA position 8724, G replaced by A.
Protein change: p.Lys2908=; no amino-acid change (lysine 2908 retained).
Molecular consequence: synonymous variant.
Genome position (GRCh38, 1-based): chr1:237,674,740, G>A. VCF-style: chr1-237674740-G-A. GRCh37 (hg19) VCF-style: chr1-237838040-G-A.
Identifiers: ClinVar variation 2970151 (VCV002970151.4), dbSNP rs1203656381, ClinGen allele CA423821470.